The following is an entry in ClinVar:

ClinVar aggregate classification (germline): Uncertain significance (1 of 4 stars; one submission).

Conditions:
Teebi hypertelorism syndrome 1. Identifiers: Orphanet 1519, MedGen CN306405, MONDO:0800025, OMIM 145420.

Submission:

Victorian Clinical Genetics Services, Murdoch Childrens Research Institute
Classification: Uncertain significance for Teebi hypertelorism syndrome 1. Last evaluated: 2025-07-24. Review status: criteria provided, single submitter. Criteria: ACMG Guidelines, 2015. Collection method: clinical testing. Allele origin: germline. Affected: yes.
Comment: This variant is classified as VUS-3A. Evidence in support of pathogenic classification: Variant is absent from gnomAD (v2, v3 and v4); Additional information: Variant is predicted to result in a missense amino acid change from alanine to serine; This variant is heterozygous; This gene is associated with autosomal dominant disease; Alternative amino acid change(s) at the same position are present in gnomAD (Highest allele count: v4: 1 heterozygote(s), 0 homozygote(s)); This variant has no previous evidence of pathogenicity; No published segregation evidence has been identified for this variant; No published functional evidence has been identified for this variant; No comparable missense variants have previous evidence for pathogenicity; Variant is located in the annotated coiled coil domain 1 (UniProt; PMID: 35205294); Missense variant with inconclusive in silico prediction and uninformative conservation; The mechanism of disease for this gene is not clearly established. Gain of function has been suggested as a mechanism of disease; however, a dominant negative mechanism has not been excluded (PMID: 34302166).

Literature cited by the submitters: PubMed 35205294; PubMed 34302166.

NM_015330.6(SPECC1L):c.574G>T (p.Ala192Ser)

Genes: SPECC1L (sperm antigen with calponin homology and coiled-coil domains 1 like; plus strand), SPECC1L-ADORA2A (SPECC1L-ADORA2A readthrough (NMD candidate); plus strand). Cytogenetic location: 22q11.23.
Variant type: single nucleotide variant.
Coding change: c.574G>T on transcript NM_015330.6 (MANE Select); coding-DNA position 574, G replaced by T.
Protein change: p.Ala192Ser; replaces alanine 192 with serine.
Molecular consequence: missense variant. On other transcripts: non-coding transcript variant (1).
Genome position (GRCh38, 1-based): chr22:24,321,554, G>T. VCF-style: chr22-24321554-G-T. GRCh37 (hg19) VCF-style: chr22-24717522-G-T.
Other names: c.574G>T, p.Ala192Ser (NM_001145468.4, NM_001254732.3); short protein forms A192S.
Identifiers: ClinVar variation 4531821 (VCV004531821.1).
Genomic context (GRCh38, chr22:24,321,554, plus strand): 5'-GACAATCAGATCAGTGACAGAGCTGCTTTGGAGGCCAAAGTGAAGGATCTTCTCACGCTG[G>T]CAAAAACCAAAGACGTAGAAATTTTACATTTGAGAAATGAACTGCGAGACATGCGTGCCC-3'
Protein context (NP_056145.5, residues 182-202): EAKVKDLLTL[Ala192Ser]KTKDVEILHL